The following is an entry in ClinVar:

NM_152564.5(VPS13B):c.3209A>C (p.Gln1070Pro)

Gene: VPS13B (vacuolar protein sorting 13 homolog B; plus strand). Cytogenetic location: 8q22.2.
Variant type: single nucleotide variant.
Coding change: c.3209A>C on transcript NM_152564.5 (MANE Select); coding-DNA position 3209, A replaced by C.
Protein change: p.Gln1070Pro; replaces glutamine 1070 with proline.
Molecular consequence: missense variant.
Genome position (GRCh38, 1-based): chr8:99,431,663, A>C. VCF-style: chr8-99431663-A-C. GRCh37 (hg19) VCF-style: chr8-100443891-A-C.
Other names: c.3209A>C, p.Gln1070Pro (NM_017890.5); short protein forms Q1070P.
Identifiers: ClinVar variation 4996967 (VCV004996967.1).
Genomic context (GRCh38, chr8:99,431,663, plus strand): 5'-AAGAAAGAATGAAGGAATTTATTGGAATTGTTTGGAATGCAGTGAAGCATCTCACACTAC[A>C]GGTAAAATAAAAGTTAGAAATATTATGGATATAATTTCTATAATCCTTTTTAATTCCCAG-3'
Protein context (NP_689777.3, residues 1060-1080): VWNAVKHLTL[Gln1070Pro]LEVQSCCVFI

ClinVar aggregate classification (germline): Uncertain significance (1 of 4 stars; one submission).

Conditions:
VPS13B-related disorder. Also called: VPS13B-related condition.

Submission:

PreventionGenetics, part of Exact Sciences
Classification: Uncertain significance for VPS13B-related condition. Last evaluated: 2025-07-03. Review status: criteria provided, single submitter. Criteria: ACMG Guidelines, 2015. Collection method: clinical testing. Allele origin: germline.
Comment: The VPS13B c.3209A>C variant is predicted to result in the amino acid substitution p.Gln1070Pro. This variant impacts a nucleotide that falls within the last codon of exon 22 and is predicted to impact splicing based on a splicing prediction program (SpliceAI, Jaganathan K, et al. 2019. PubMed ID: 30661751). To our knowledge, this variant has not been reported in the literature or in a large population database (gnomAD), indicating this variant is rare. At this time, the clinical significance of this variant is uncertain due to the absence of conclusive functional and genetic evidence.